The following is an entry in ClinVar:

ClinVar aggregate classification (germline): Pathogenic/Likely pathogenic. Review status: criteria provided, multiple submitters, no conflicts (2 of 4 stars). 2 submissions from 2 submitters: Pathogenic (1); Likely pathogenic (1). Last evaluated 2024-02-25.

Conditions:
Finnish congenital nephrotic syndrome (NPHS1). Also called: NEPHROTIC SYNDROME, TYPE 1. Identifiers: Orphanet 839, MedGen C0403399, MONDO:0009732, OMIM 256300.

Submissions (2):

Fulgent Genetics
Classification: Likely pathogenic for Finnish congenital nephrotic syndrome. Last evaluated: 2024-02-25. Review status: criteria provided, single submitter. Criteria: ACMG Guidelines, 2015. Collection method: clinical testing. Allele origin: germline.

Labcorp Genetics (formerly Invitae), Labcorp
Classification: Pathogenic. Last evaluated: 2023-04-08. Review status: criteria provided, single submitter. Criteria: Invitae Variant Classification Sherloc (09022015). Collection method: clinical testing. Allele origin: germline.
Comment: This sequence change creates a premature translational stop signal (p.Gly391Aspfs*12) in the NPHS1 gene. It is expected to result in an absent or disrupted protein product. Loss-of-function variants in NPHS1 are known to be pathogenic (PMID: 11317351, 11854170, 12039988). For these reasons, this variant has been classified as Pathogenic. ClinVar contains an entry for this variant (Variation ID: 836621). This variant has not been reported in the literature in individuals affected with NPHS1-related conditions. This variant is not present in population databases (gnomAD no frequency).

Literature cited by the submitters: PubMed 11317351 (cited by Labcorp Genetics (formerly Invitae), Labcorp); PubMed 11854170 (cited by Labcorp Genetics (formerly Invitae), Labcorp); PubMed 12039988 (cited by Labcorp Genetics (formerly Invitae), Labcorp).

NM_004646.4(NPHS1):c.1172del

Gene: NPHS1 (NPHS1 adhesion molecule, nephrin; minus strand). Cytogenetic location: 19q13.12.
Variant type: Deletion.
Coding change: c.1172del on transcript NM_004646.4 (MANE Select); coding-DNA position 1172, one base deleted (G; older notation c.1172delG).
Molecular consequence: splice acceptor variant.
Genome position (GRCh38, 1-based): chr19:35,848,396, C deleted on the plus strand (G on the coding strand, the reverse complement: NPHS1 is on the minus strand); the first of 3 consecutive C bases (chr19:35,848,396-35,848,398); deleting any one gives the same sequence. VCF-style (leftmost placement, unchanged base first): chr19-35848395-TC-T. GRCh37 (hg19) VCF-style: chr19-36339297-TC-T.
Identifiers: ClinVar variation 836621 (VCV000836621.11), dbSNP rs1973176439, ClinGen allele CA916082456.